The following is an entry in ClinVar:

ClinVar aggregate classification (germline): Uncertain significance. Review status: criteria provided, multiple submitters, no conflicts (2 of 4 stars). 5 submissions from 5 submitters: Uncertain significance (5). Last evaluated 2024-07-30.

Conditions:
Cardiovascular phenotype. Identifiers: MedGen CN230736.
Hypertrophic cardiomyopathy 1 (CMH1). Also called: Familial hypertrophic cardiomyopathy 1; MYH7-Related Familial Hypertrophic Cardiomyopathy. Identifiers: MedGen C3495498, MONDO:0008647, OMIM 192600.
Dilated cardiomyopathy 1EE (CMD1EE). Identifiers: Orphanet 154, MedGen C2750466, MONDO:0013198, OMIM 613252.
Hypertrophic cardiomyopathy 14. Identifiers: MedGen C2750467, MONDO:0013197, OMIM 613251.
Sick sinus syndrome 3, susceptibility to (SSS3). Identifiers: Orphanet 166282, MedGen C3279791, MONDO:0013568, OMIM 614090.
Atrial septal defect 3 (ASD3). Identifiers: Orphanet 1478, MedGen C3279790, MONDO:0013567, OMIM 614089.

Allele frequency attached by ClinVar (database versions not stated): ExAC 0.00002; gnomAD 0.00003; gnomAD exomes 0.00004; TOPMed 0.00004.
gnomAD v4.1: 27 of 1,345,000 alleles (0.002%); highest among the groups gnomAD compares: Admixed American, 0.008%; no homozygotes.

Submissions (5):

Labcorp Genetics (formerly Invitae), Labcorp
Classification: Uncertain significance for Hypertrophic cardiomyopathy 14. Last evaluated: 2024-07-30. Review status: criteria provided, single submitter. Criteria: Invitae Variant Classification Sherloc (09022015). Collection method: clinical testing. Allele origin: germline.
Comment: This sequence change replaces arginine, which is basic and polar, with tryptophan, which is neutral and slightly polar, at codon 1865 of the MYH6 protein (p.Arg1865Trp). This variant is present in population databases (rs759499155, gnomAD 0.009%). This variant has not been reported in the literature in individuals affected with MYH6-related conditions. ClinVar contains an entry for this variant (Variation ID: 684811). Advanced modeling of protein sequence and biophysical properties (such as structural, functional, and spatial information, amino acid conservation, physicochemical variation, residue mobility, and thermodynamic stability) performed at Invitae indicates that this missense variant is expected to disrupt MYH6 protein function with a positive predictive value of 80%. In summary, the available evidence is currently insufficient to determine the role of this variant in disease. Therefore, it has been classified as a Variant of Uncertain Significance.

GeneDx
Classification: Uncertain significance. Last evaluated: 2022-06-08. Review status: criteria provided, single submitter. Criteria: GeneDx Variant Classification Process June 2021. Collection method: clinical testing. Allele origin: germline. Affected: yes.
Comment: Has not been previously published as pathogenic or benign to our knowledge; In silico analysis supports that this missense variant has a deleterious effect on protein structure/function

Fulgent Genetics
Classification: Uncertain significance for Hypertrophic cardiomyopathy 1; Hypertrophic cardiomyopathy 14; Dilated cardiomyopathy 1EE; Atrial septal defect 3; Sick sinus syndrome 3, susceptibility to. Last evaluated: 2021-10-09. Review status: criteria provided, single submitter. Criteria: ACMG Guidelines, 2015. Collection method: clinical testing. Allele origin: unknown.

Ambry Genetics
Classification: Uncertain significance for Cardiovascular phenotype. Last evaluated: 2018-11-27. Review status: criteria provided, single submitter. Criteria: Ambry Variant Classification Scheme 2023. Collection method: clinical testing. Allele origin: germline.
Comment: The p.R1865W variant (also known as c.5593C>T), located in coding exon 35 of the MYH6 gene, results from a C to T substitution at nucleotide position 5593. The arginine at codon 1865 is replaced by tryptophan, an amino acid with dissimilar properties. This amino acid position is highly conserved in available vertebrate species. In addition, this alteration is predicted to be deleterious by in silico analysis. Since supporting evidence is limited at this time, the clinical significance of this alteration remains unclear.

Molecular Diagnostic Laboratory for Inherited Cardiovascular Disease, Montreal Heart Institute
Classification: Uncertain significance. Review status: criteria provided, single submitter. Criteria: ACMG Guidelines, 2015. Collection method: clinical testing. Allele origin: germline. Affected: yes.

Literature cited by the submitters: PubMed 20656787 (cited by Ambry Genetics).

NM_002471.4(MYH6):c.5593C>T (p.Arg1865Trp)

Gene: MYH6 (myosin heavy chain 6; minus strand). Cytogenetic location: 14q11.2.
Variant type: single nucleotide variant.
Coding change: c.5593C>T on transcript NM_002471.4 (MANE Select); coding-DNA position 5593, C replaced by T.
Protein change: p.Arg1865Trp; replaces arginine 1865 with tryptophan.
Molecular consequence: missense variant.
Genome position (GRCh38, 1-based): chr14:23,383,293, G>A on the plus strand (C>T on the coding strand, the complement: MYH6 is on the minus strand). VCF-style: chr14-23383293-G-A. GRCh37 (hg19) VCF-style: chr14-23852502-G-A.
Other names: short protein forms R1865W.
Identifiers: ClinVar variation 684811 (VCV000684811.16), dbSNP rs759499155, ClinGen allele CA7114339.